The following is an entry in ClinVar:

NM_006031.6(PCNT):c.5487G>A (p.Glu1829=)

Gene: PCNT (pericentrin; plus strand). Cytogenetic location: 21q22.3.
Variant type: single nucleotide variant.
Coding change: c.5487G>A on transcript NM_006031.6 (MANE Select); coding-DNA position 5487, G replaced by A.
Protein change: p.Glu1829=; no amino-acid change (glutamic acid 1829 retained).
Molecular consequence: synonymous variant.
Genome position (GRCh38, 1-based): chr21:46,411,560, G>A. VCF-style: chr21-46411560-G-A. GRCh37 (hg19) VCF-style: chr21-47831474-G-A.
Other names: c.5487G>A (NM_006031.5); c.5133G>A, p.Glu1711= (NM_001315529.2).
Identifiers: ClinVar variation 1654799 (VCV001654799.33), dbSNP rs1245321190, ClinGen allele CA513173846.

ClinVar aggregate classification (germline): Likely benign. Review status: criteria provided, multiple submitters, no conflicts (2 of 4 stars). 3 submissions from 3 submitters: Likely benign (3). Last evaluated 2026-06-21.

Conditions:
PCNT-related disorder. Also called: PCNT-related condition.

Allele frequency attached by ClinVar (database versions not stated): gnomAD exomes below 0.00001 and 0.00001; TOPMed 0.00003.
gnomAD v4.1: 20 of 1,612,516 alleles (0.0012%); highest among the groups gnomAD compares: East Asian, 0.027%; no homozygotes.

Submissions (3):

PreventionGenetics, part of Exact Sciences
Classification: Likely benign for PCNT-related condition. Last evaluated: 2026-06-21. Review status: criteria provided, single submitter. Criteria: ACMG Guidelines, 2015. Collection method: clinical testing. Allele origin: germline.
Comment: This variant is classified as likely benign based on ACMG/AMP sequence variant interpretation guidelines (Richards et al. 2015 PMID: 25741868, with internal and published modifications).

Labcorp Genetics (formerly Invitae), Labcorp
Classification: Likely benign. Last evaluated: 2025-04-02. Review status: criteria provided, single submitter. Criteria: Invitae Variant Classification Sherloc (09022015). Collection method: clinical testing. Allele origin: germline.

CeGaT Center for Human Genetics Tuebingen
Classification: Likely benign. Last evaluated: 2022-08-01. Review status: criteria provided, single submitter. Criteria: CeGaT Center For Human Genetics Tuebingen Variant Classification Criteria Version 2. Collection method: clinical testing. Allele origin: germline. Affected: yes. Observed: 1 variant allele.
Comment: PCNT: BP4, BP7